The following is an entry in ClinVar:

ClinVar aggregate classification (germline): Uncertain significance (1 of 4 stars; one submission).

Conditions:
Ehlers-Danlos syndrome, classic type, 1 (EDSCL1). Also called: EHLERS-DANLOS SYNDROME, GRAVIS TYPE; EHLERS-DANLOS SYNDROME, SEVERE CLASSIC TYPE; Ehlers-Danlos syndrome, type 1; Ehlers-Danlos Syndrome, Classic Type, COL5A1-Related; EDS I. Identifiers: MedGen C0268335, MONDO:0019567, OMIM 130000.

Submission:

Labcorp Genetics (formerly Invitae), Labcorp
Classification: Uncertain significance for Ehlers-Danlos syndrome, classic type, 1. Last evaluated: 2025-12-29. Review status: criteria provided, single submitter. Criteria: Invitae Variant Classification Sherloc (09022015). Collection method: clinical testing. Allele origin: germline.
Comment: This variant, c.1240_1248del, results in the deletion of 3 amino acid(s) of the COL5A1 protein (p.Glu414_Tyr416del), but otherwise preserves the integrity of the reading frame. This variant is not present in population databases (gnomAD no frequency). This variant has not been reported in the literature in individuals affected with COL5A1-related conditions. Experimental studies and prediction algorithms are not available or were not evaluated, and the functional significance of this variant is currently unknown. In summary, the available evidence is currently insufficient to determine the role of this variant in disease. Therefore, it has been classified as a Variant of Uncertain Significance.

NM_000093.5(COL5A1):c.1240_1248del (p.Glu414_Tyr416del)

Gene: COL5A1 (collagen type V alpha 1 chain; plus strand). Cytogenetic location: 9q34.3.
Variant type: Deletion.
Coding change: c.1240_1248del on transcript NM_000093.5 (MANE Select); coding-DNA positions 1240 to 1248, 9 bases deleted (GAGAACTAC; older notation c.1240_1248delGAGAACTAC).
Protein change: p.Glu414_Tyr416del.
Molecular consequence: inframe deletion.
Genome position (GRCh38, 1-based): chr9:134,731,571-134,731,579, GAGAACTAC deleted; deleting any 9 consecutive bases within chr9:134,731,569-134,731,579 gives the same sequence; the c. name uses the placement nearest the transcript's 3' end. VCF-style (leftmost placement, unchanged base first): chr9-134731568-GACGAGAACT-G. GRCh37 (hg19) VCF-style: chr9-137623414-GACGAGAACT-G.
Other names: c.1240_1248del, p.Glu414_Tyr416del (NM_001278074.1).
Identifiers: ClinVar variation 4733741 (VCV004733741.1).
Genomic context (GRCh38, chr9:134,731,568, plus strand): 5'-CCAGGGGAAGGTGCGGATGACTTGGAGGGGGAGTTCACTGAGGAAACGATCCGGAACCTT[GACGAGAACT>G]ACTACGACCCCTACTACGACCCCACCAGCTCCCCGTCGGAGATCGGGCCGGGAATGCCGG-3'